The following is an entry in ClinVar:

NM_001853.4(COL9A3):c.149G>A (p.Gly50Glu)

Gene: COL9A3 (collagen type IX alpha 3 chain; plus strand). Cytogenetic location: 20q13.33.
Variant type: single nucleotide variant.
Coding change: c.149G>A on transcript NM_001853.4 (MANE Select); coding-DNA position 149, G replaced by A.
Protein change: p.Gly50Glu; replaces glycine 50 with glutamic acid.
Molecular consequence: missense variant.
Genome position (GRCh38, 1-based): chr20:62,818,519, G>A. VCF-style: chr20-62818519-G-A. GRCh37 (hg19) VCF-style: chr20-61449871-G-A.
Other names: short protein forms G50E.
Identifiers: ClinVar variation 1401807 (VCV001401807.8), dbSNP rs961539779, ClinGen allele CA317321896.

ClinVar aggregate classification (germline): Uncertain significance (1 of 4 stars; one submission).

Allele frequency attached by ClinVar (database versions not stated): gnomAD exomes below 0.00001.
gnomAD v4.1: 1 of 1,613,112 alleles (0.000062%); highest among the groups gnomAD compares: Admixed American, 0.0017%; no homozygotes.

Submission:

Labcorp Genetics (formerly Invitae), Labcorp
Classification: Uncertain significance. Last evaluated: 2025-12-01. Review status: criteria provided, single submitter. Criteria: Invitae Variant Classification Sherloc (09022015). Collection method: clinical testing. Allele origin: germline.
Comment: This sequence change replaces glycine, which is neutral and non-polar, with glutamic acid, which is acidic and polar, at codon 50 of the COL9A3 protein (p.Gly50Glu). This variant is present in population databases (no rsID available, gnomAD 0.003%). This variant has not been reported in the literature in individuals affected with COL9A3-related conditions. ClinVar contains an entry for this variant (Variation ID: 1401807). Experimental studies and prediction algorithms are not available or were not evaluated, and the functional significance of this variant is currently unknown. In summary, the available evidence is currently insufficient to determine the role of this variant in disease. Therefore, it has been classified as a Variant of Uncertain Significance.